The following is an entry in ClinVar:

NM_139318.5(KCNH5):c.1123G>A (p.Val375Ile)

Gene: KCNH5 (potassium voltage-gated channel subfamily H member 5; minus strand). Cytogenetic location: 14q23.2.
Variant type: single nucleotide variant.
Coding change: c.1123G>A on transcript NM_139318.5 (MANE Select); coding-DNA position 1123, G replaced by A.
Protein change: p.Val375Ile; replaces valine 375 with isoleucine.
Molecular consequence: missense variant.
Genome position (GRCh38, 1-based): chr14:62,950,379, C>T on the plus strand (G>A on the coding strand, the complement: KCNH5 is on the minus strand). VCF-style: chr14-62950379-C-T. GRCh37 (hg19) VCF-style: chr14-63417097-C-T.
Other names: c.1123G>A, p.Val375Ile (NM_172375.3); short protein forms V375I.
Identifiers: ClinVar variation 2087050 (VCV002087050.4), dbSNP rs1889977673, ClinGen allele CA390103217.

ClinVar aggregate classification (germline): Uncertain significance (1 of 4 stars; one submission).

Conditions:
Early-infantile DEE. Also called: Ohtahara syndrome; Early infantile epileptic encephalopathy with suppression bursts; Early infantile epileptic encephalopathy. Identifiers: Orphanet 1934, MedGen C0393706, MONDO:0800491.

Allele frequency attached by ClinVar (database versions not stated): gnomAD exomes below 0.00001; gnomAD 0.00001.
gnomAD v4.1: 2 of 1,613,878 alleles (0.00012%); highest among the groups gnomAD compares: South Asian, 0.0011%; no homozygotes.

Submission:

Labcorp Genetics (formerly Invitae), Labcorp
Classification: Uncertain significance for Early-infantile DEE. Last evaluated: 2022-01-17. Review status: criteria provided, single submitter. Criteria: Invitae Variant Classification Sherloc (09022015). Collection method: clinical testing. Allele origin: germline.
Comment: In summary, the available evidence is currently insufficient to determine the role of this variant in disease. Therefore, it has been classified as a Variant of Uncertain Significance. Advanced modeling of protein sequence and biophysical properties (such as structural, functional, and spatial information, amino acid conservation, physicochemical variation, residue mobility, and thermodynamic stability) performed at Invitae indicates that this missense variant is not expected to disrupt KCNH5 protein function. This variant has not been reported in the literature in individuals affected with KCNH5-related conditions. This variant is not present in population databases (gnomAD no frequency). This sequence change replaces valine, which is neutral and non-polar, with isoleucine, which is neutral and non-polar, at codon 375 of the KCNH5 protein (p.Val375Ile).